The following is an entry in ClinVar:

ClinVar aggregate classification (germline): Uncertain significance (1 of 4 stars; one submission).

Conditions:
Progressive encephalopathy with leukodystrophy due to DECR deficiency. Identifiers: Orphanet 431361, MedGen C1857252, MONDO:0014464, OMIM 616034.

Allele frequency attached by ClinVar (database versions not stated): TOPMed 0.00003; gnomAD 0.00005; gnomAD exomes 0.00006; ExAC 0.00008; ESP Exome Variant Server 0.00015.
gnomAD v4.1: 89 of 1,613,860 alleles (0.0055%); highest among the groups gnomAD compares: South Asian, 0.042%; no homozygotes.

Submission:

Labcorp Genetics (formerly Invitae), Labcorp
Classification: Uncertain significance for Progressive encephalopathy with leukodystrophy due to DECR deficiency. Last evaluated: 2023-06-09. Review status: criteria provided, single submitter. Criteria: Invitae Variant Classification Sherloc (09022015). Collection method: clinical testing. Allele origin: germline.
Comment: In summary, the available evidence is currently insufficient to determine the role of this variant in disease. Therefore, it has been classified as a Variant of Uncertain Significance. Advanced modeling of protein sequence and biophysical properties (such as structural, functional, and spatial information, amino acid conservation, physicochemical variation, residue mobility, and thermodynamic stability) performed at Invitae indicates that this missense variant is not expected to disrupt NADK2 protein function. This variant has not been reported in the literature in individuals affected with NADK2-related conditions. This variant is present in population databases (rs142335401, gnomAD 0.04%). This sequence change replaces asparagine, which is neutral and polar, with serine, which is neutral and polar, at codon 249 of the NADK2 protein (p.Asn249Ser).

NM_001085411.3(NADK2):c.746A>G (p.Asn249Ser)

Gene: NADK2 (NAD kinase 2, mitochondrial; minus strand). Cytogenetic location: 5p13.2.
Variant type: single nucleotide variant.
Coding change: c.746A>G on transcript NM_001085411.3 (MANE Select); coding-DNA position 746, A replaced by G.
Protein change: p.Asn249Ser; replaces asparagine 249 with serine.
Molecular consequence: missense variant.
Genome position (GRCh38, 1-based): chr5:36,217,783, T>C on the plus strand (A>G on the coding strand, the complement: NADK2 is on the minus strand). VCF-style: chr5-36217783-T-C. GRCh37 (hg19) VCF-style: chr5-36217885-T-C.
Other names: c.257A>G, p.Asn86Ser (NM_001287340.2, NM_001287341.2, NM_153013.5); short protein forms N249S, N86S.
Identifiers: ClinVar variation 2741858 (VCV002741858.3), dbSNP rs142335401, ClinGen allele CA3234630.